The following is an entry in ClinVar:

NM_001278669.2(NFATC1):c.2368C>T (p.Leu790Phe)

Gene: NFATC1 (nuclear factor of activated T cells 1; plus strand). Cytogenetic location: 18q23.
Variant type: single nucleotide variant.
Coding change: c.2368C>T on transcript NM_001278669.2 (MANE Select); coding-DNA position 2368, C replaced by T.
Protein change: p.Leu790Phe; replaces leucine 790 with phenylalanine.
Molecular consequence: missense variant. On other transcripts: intron variant (2).
Genome position (GRCh38, 1-based): chr18:79,486,523, C>T. VCF-style: chr18-79486523-C-T. GRCh37 (hg19) VCF-style: chr18-77246523-C-T.
Other names: c.952C>T, p.Leu318Phe (NM_001278673.2, NM_172388.3); c.2368C>T, p.Leu790Phe (NM_006162.5); c.2329C>T, p.Leu777Phe (NM_172387.3, NM_172389.3); c.2092+18941C>T (NM_001278670.2); c.2053+18941C>T (NM_001278672.2); short protein forms L777F, L790F, L318F.
Identifiers: ClinVar variation 2464750 (VCV002464750.5), dbSNP rs369050265, ClinGen allele CA9009611.

ClinVar aggregate classification (germline): Uncertain significance. Review status: criteria provided, multiple submitters, no conflicts (2 of 4 stars). 2 submissions from 2 submitters: Uncertain significance (2). Last evaluated 2025-03-15.

Allele frequency attached by ClinVar (database versions not stated): gnomAD 0.00013; TOPMed 0.00014; ESP Exome Variant Server 0.00016; gnomAD exomes 0.00017; ExAC 0.00022.
gnomAD v4.1: 260 of 1,600,462 alleles (0.016%); highest among the groups gnomAD compares: Non-Finnish European, 0.02%; no homozygotes.

Submissions (2):

Ambry Genetics
Classification: Uncertain significance. Last evaluated: 2025-03-15. Review status: criteria provided, single submitter. Criteria: Ambry Variant Classification Scheme 2023. Collection method: clinical testing. Allele origin: germline.

Labcorp Genetics (formerly Invitae), Labcorp
Classification: Uncertain significance. Last evaluated: 2024-08-23. Review status: criteria provided, single submitter. Criteria: Invitae Variant Classification Sherloc (09022015). Collection method: clinical testing. Allele origin: germline.
Comment: This sequence change replaces leucine, which is neutral and non-polar, with phenylalanine, which is neutral and non-polar, at codon 790 of the NFATC1 protein (p.Leu790Phe). This variant is present in population databases (rs369050265, gnomAD 0.03%). This variant has not been reported in the literature in individuals affected with NFATC1-related conditions. ClinVar contains an entry for this variant (Variation ID: 2464750). An algorithm developed to predict the effect of missense changes on protein structure and function (PolyPhen-2) suggests that this variant is likely to be disruptive. In summary, the available evidence is currently insufficient to determine the role of this variant in disease. Therefore, it has been classified as a Variant of Uncertain Significance.